The following is an entry in ClinVar:

NM_004606.5(TAF1):c.2823T>A (p.Ala941=)

Gene: TAF1 (TATA-box binding protein associated factor 1; plus strand). Cytogenetic location: Xq13.1.
Variant type: single nucleotide variant.
Coding change: c.2823T>A on transcript NM_004606.5 (MANE Select); coding-DNA position 2823, T replaced by A.
Protein change: p.Ala941=; no amino-acid change (alanine 941 retained).
Molecular consequence: synonymous variant. On other transcripts: non-coding transcript variant (9).
Genome position (GRCh38, 1-based): chrX:71,392,610, T>A. VCF-style: chrX-71392610-T-A. GRCh37 (hg19) VCF-style: chrX-70612460-T-A.
Other names: c.2823T>A, p.Ala941= (NM_001286074.2); c.2760T>A, p.Ala920= (NM_138923.4).
Identifiers: ClinVar variation 3771313 (VCV003771313.13).

ClinVar aggregate classification (germline): Likely benign (1 of 4 stars; one submission).

Submission:

CeGaT Center for Human Genetics Tuebingen
Classification: Likely benign. Last evaluated: 2025-02-01. Review status: criteria provided, single submitter. Criteria: CeGaT Center For Human Genetics Tuebingen Variant Classification Criteria Version 2. Collection method: clinical testing. Allele origin: germline. Affected: yes. Observed: 1 variant allele.
Comment: TAF1: PM2:Supporting, BP4, BP7